The following is an entry in ClinVar:

NM_000090.4(COL3A1):c.3565C>G (p.Pro1189Ala)

Gene: COL3A1 (collagen type III alpha 1 chain; plus strand). Cytogenetic location: 2q32.2.
Variant type: single nucleotide variant.
Coding change: c.3565C>G on transcript NM_000090.4 (MANE Select); coding-DNA position 3565, C replaced by G.
Protein change: p.Pro1189Ala; replaces proline 1189 with alanine.
Molecular consequence: missense variant.
Genome position (GRCh38, 1-based): chr2:189,008,963, C>G. VCF-style: chr2-189008963-C-G. GRCh37 (hg19) VCF-style: chr2-189873689-C-G.
Other names: short protein forms P1189A.
Identifiers: ClinVar variation 1732736 (VCV001732736.2), dbSNP rs1324996402, ClinGen allele CA349846646.
Genomic context (GRCh38, chr2:189,008,963, plus strand): 5'-TCCATGTTTTACTCATTCTAGGGCTCCCCAGGCCACCCAGGGCAACCAGGCCCTCCTGGA[C>G]CTCCTGGTGCCCCTGGTCCTTGCTGTGGTGGTGTTGGAGCCGCTGCCATTGCTGGGATTG-3'
Protein context (NP_000081.2, residues 1179-1199): GHPGQPGPPG[Pro1189Ala]PGAPGPCCGG

ClinVar aggregate classification (germline): Uncertain significance (1 of 4 stars; one submission).

Conditions:
Familial thoracic aortic aneurysm and aortic dissection (TAAD). Also called: Thoracic aortic aneurysms and dissections. Identifiers: Orphanet 91387, MedGen C4707243, MONDO:0019625.

Submission:

Ambry Genetics
Classification: Uncertain significance for Familial thoracic aortic aneurysm and aortic dissection. Last evaluated: 2020-10-27. Review status: criteria provided, single submitter. Criteria: Ambry Variant Classification Scheme 2023. Collection method: clinical testing. Allele origin: germline.
Comment: The p.P1189A variant (also known as c.3565C>G), located in coding exon 48 of the COL3A1 gene, results from a C to G substitution at nucleotide position 3565. The proline at codon 1189 is replaced by alanine, an amino acid with highly similar properties. This amino acid position is well conserved in available vertebrate species. In addition, the in silico prediction for this alteration is inconclusive. Since supporting evidence is limited at this time, the clinical significance of this alteration remains unclear.